The following is an entry in ClinVar:

NM_001127198.5(TMC6):c.1909C>T (p.Gln637Ter)

Gene: TMC6 (transmembrane channel like 6; minus strand). Cytogenetic location: 17q25.3.
Variant type: single nucleotide variant.
Coding change: c.1909C>T on transcript NM_001127198.5 (MANE Select); coding-DNA position 1909, C replaced by T.
Protein change: p.Gln637Ter; replaces glutamine 637 with a stop codon.
Molecular consequence: nonsense. On other transcripts: non-coding transcript variant (4).
Genome position (GRCh38, 1-based): chr17:78,117,914, G>A on the plus strand (C>T on the coding strand, the complement: TMC6 is on the minus strand). VCF-style: chr17-78117914-G-A. GRCh37 (hg19) VCF-style: chr17-76113995-G-A.
Other names: c.1909C>T, p.Gln637Ter (NM_001321185.1, NM_001374596.1, NM_001375353.1 and 2 more transcripts); c.1729C>T, p.Gln577Ter (NM_001374593.1, NM_001374594.1); short protein forms Q577*, Q637*.
Identifiers: ClinVar variation 4723363 (VCV004723363.1).
Genomic context (GRCh38, chr17:78,117,914, plus strand): 5'-AGAGCAGCGTGAGGAAGACGGTGCTCATGTGTGAGGCCAGCCAGGGCCGGCGCGGCGCCT[G>A]GCAGTTGGCCAGAAGGCTGGTCTGTGGGGAAAGGCTGCGCTCTGCCACCATCCTGCTACC-3'

ClinVar aggregate classification (germline): Pathogenic (1 of 4 stars; one submission).

Conditions:
Epidermodysplasia verruciformis. Identifiers: Orphanet 302, MedGen C0014522, MONDO:0009176.

Submission:

Labcorp Genetics (formerly Invitae), Labcorp
Classification: Pathogenic for Epidermodysplasia verruciformis. Last evaluated: 2025-07-16. Review status: criteria provided, single submitter. Criteria: Invitae Variant Classification Sherloc (09022015). Collection method: clinical testing. Allele origin: germline.
Comment: This sequence change creates a premature translational stop signal (p.Gln637*) in the TMC6 gene. It is expected to result in an absent or disrupted protein product. Loss-of-function variants in TMC6 are known to be pathogenic (PMID: 15042430, 17139267). This variant is not present in population databases (gnomAD no frequency). This variant has not been reported in the literature in individuals affected with TMC6-related conditions. Algorithms developed to predict the effect of sequence changes on RNA splicing suggest that this variant may create or strengthen a splice site. For these reasons, this variant has been classified as Pathogenic.

Literature cited by the submitters: PubMed 15042430; PubMed 17139267.